The following is an entry in ClinVar:

ClinVar aggregate classification (germline): Pathogenic (1 of 4 stars; one submission).

Conditions:
Hereditary nonpolyposis colorectal neoplasms. Identifiers: MedGen C0009405, MeSH D003123.

Submission:

Labcorp Genetics (formerly Invitae), Labcorp
Classification: Pathogenic for Hereditary nonpolyposis colorectal neoplasms. Last evaluated: 2024-06-03. Review status: criteria provided, single submitter. Criteria: Invitae Variant Classification Sherloc (09022015). Collection method: clinical testing. Allele origin: germline.
Comment: This sequence change creates a premature translational stop signal (p.Ala1127Serfs*37) in the MSH6 gene. It is expected to result in an absent or disrupted protein product. Loss-of-function variants in MSH6 are known to be pathogenic (PMID: 18269114, 24362816). This variant is not present in population databases (gnomAD no frequency). This variant has not been reported in the literature in individuals affected with MSH6-related conditions. ClinVar contains an entry for this variant (Variation ID: 1452416). For these reasons, this variant has been classified as Pathogenic.

Literature cited by the submitters: PubMed 18269114; PubMed 24362816.

NM_000179.3(MSH6):c.3378dup (p.Ala1127fs)

Gene: MSH6 (mutS homolog 6; plus strand). Cytogenetic location: 2p16.3.
Variant type: Duplication.
Coding change: c.3378dup on transcript NM_000179.3 (MANE Select); coding-DNA position 3378, one base duplicated (A; older notation c.3378dupA).
Protein change: p.Ala1127fs; shifts the reading frame from alanine 1127.
Molecular consequence: frameshift variant.
Genome position (GRCh38, 1-based): chr2:47,803,625, A duplicated; the last of 3 consecutive A bases (chr2:47,803,623-47,803,625); duplicating any one gives the same sequence. VCF-style (leftmost placement, unchanged base first): chr2-47803622-C-CA. GRCh37 (hg19) VCF-style: chr2-48030761-C-CA.
Other names: c.2988dup, p.Ala997fs (NM_001281492.2); c.2472dup, p.Ala825fs (NM_001281493.2, NM_001281494.2); short protein forms A1127fs, A825fs, A997fs.
Identifiers: ClinVar variation 1452416 (VCV001452416.6), dbSNP rs1553331665, ClinGen allele CA2573134727.
Genomic context (GRCh38, chr2:47,803,622, plus strand): 5'-AGATGATTTTATTCCTAATGACATTCTAATAGGCTGTGAGGAAGAGGAGCAGGAAAATGG[C>CA]AAAGCCTATTGTGTGCTTGTTACTGGACCAAATATGGGGGGCAAGTCTACGCTTATGAGA-3'